The following is an entry in ClinVar:

ClinVar aggregate classification (germline): Likely benign (1 of 4 stars; one submission).

Conditions:
Neurofibromatosis, type 1 (NF1). Also called: VON RECKLINGHAUSEN DISEASE; NEUROFIBROMATOSIS, TYPE I, SOMATIC; Peripheral type neurofibromatosis; Neurofibromatosis, type I. Identifiers: Orphanet 636, MedGen C0027831, MONDO:0018975, OMIM 162200. Disease mechanism: loss of function.

Submission:

Myriad Genetics, Inc.
Classification: Likely benign for Neurofibromatosis, type 1. Last evaluated: 2026-05-11. Review status: criteria provided, single submitter. Criteria: Myriad Autosomal Dominant, Autosomal Recessive and X-Linked Classification Criteria (2023). Collection method: clinical testing. Allele origin: unknown.
Comment: This variant is considered likely benign. This variant is intronic and is not expected to impact mRNA splicing.

NM_001042492.3(NF1):c.289-11_289-10dup

Gene: NF1 (neurofibromin 1; plus strand). Cytogenetic location: 17q11.2.
Variant type: Duplication.
Coding change: c.289-11_289-10dup on transcript NM_001042492.3 (MANE Select); 11 bases into the intron before coding-DNA position 289 through 10 bases into the intron before coding-DNA position 289, 2 bases duplicated (TT; older notation c.289-11_289-10dupTT).
Molecular consequence: intron variant.
Genome position (GRCh38, 1-based): chr17:31,163,175-31,163,176, TT duplicated; duplicating any 2 consecutive bases within chr17:31,163,174-31,163,176 gives the same sequence; the c. name uses the placement nearest the transcript's 3' end. VCF-style (leftmost placement, unchanged base first): chr17-31163173-A-ATT. GRCh37 (hg19) VCF-style: chr17-29490191-A-ATT.
Other names: c.289-11_289-10dup (NM_000267.4, NM_001128147.3).
Identifiers: ClinVar variation 4875838 (VCV004875838.1).